The following is an entry in ClinVar:

NM_000548.5(TSC2):c.3212C>G (p.Thr1071Arg)

Gene: TSC2 (TSC complex subunit 2; plus strand). Cytogenetic location: 16p13.3.
Variant type: single nucleotide variant.
Coding change: c.3212C>G on transcript NM_000548.5 (MANE Select); coding-DNA position 3212, C replaced by G.
Protein change: p.Thr1071Arg; replaces threonine 1071 with arginine.
Molecular consequence: missense variant.
Genome position (GRCh38, 1-based): chr16:2,079,356, C>G. VCF-style: chr16-2079356-C-G. GRCh37 (hg19) VCF-style: chr16-2129357-C-G.
Other names: c.3080C>G, p.Thr1027Arg (NM_001077183.3, NM_001370404.1); c.3212C>G, p.Thr1071Arg (NM_001114382.3); c.2972C>G, p.Thr991Arg (NM_001318827.2); c.2936C>G, p.Thr979Arg (NM_001318829.2); c.2480C>G, p.Thr827Arg (NM_001318831.2); c.3113C>G, p.Thr1038Arg (NM_001318832.2); c.3083C>G, p.Thr1028Arg (NM_001363528.2, NM_001370405.1, NM_021055.3); short protein forms T1071R, T827R, T1028R, T1027R, T979R, T991R, T1038R.
Identifiers: ClinVar variation 49247 (VCV000049247.6), dbSNP rs45498892, ClinGen allele CA018689.

ClinVar aggregate classification (germline): Pathogenic. Review status: criteria provided, single submitter (1 of 4 stars). 2 submissions from 2 submitters: Pathogenic (1). 1 of the submissions does not count toward it. Last evaluated 2022-02-20.

Conditions:
Tuberous sclerosis syndrome (TSC). Also called: Tuberous Sclerosis Complex; Tuberous sclerosis. Identifiers: Orphanet 805, MedGen C0041341, MONDO:0001734.
Tuberous sclerosis 2 (TSC2). Identifiers: Orphanet 805, MedGen C1860707, MONDO:0013199, OMIM 613254.

Submissions (2):

Labcorp Genetics (formerly Invitae), Labcorp
Classification: Pathogenic for Tuberous sclerosis 2. Last evaluated: 2022-02-20. Review status: criteria provided, single submitter. Criteria: Invitae Variant Classification Sherloc (09022015). Collection method: clinical testing. Allele origin: germline.
Comment: This sequence change replaces threonine, which is neutral and polar, with arginine, which is basic and polar, at codon 1071 of the TSC2 protein (p.Thr1071Arg). This variant is not present in population databases (gnomAD no frequency). This missense change has been observed in individual(s) with diagnosis of tuberous sclerosis complex (PMID: 11112665). In at least one individual the variant was observed to be de novo. ClinVar contains an entry for this variant (Variation ID: 49247). Advanced modeling of protein sequence and biophysical properties (such as structural, functional, and spatial information, amino acid conservation, physicochemical variation, residue mobility, and thermodynamic stability) performed at Invitae indicates that this missense variant is expected to disrupt TSC2 protein function. For these reasons, this variant has been classified as Pathogenic.

Tuberous sclerosis database (TSC2)
No classification provided. Condition: TSC. Review status: no classification provided. Criteria: Tuberous Sclerosis Database Assertion Criteria 2015. Collection method: curation. Allele origin: germline. Affected: yes. Not counted in ClinVar's aggregate classification.

Literature cited by the submitters: PubMed 11112665 (cited by Labcorp Genetics (formerly Invitae), Labcorp).